The following is an entry in ClinVar:

ClinVar aggregate classification (germline): Uncertain significance (1 of 4 stars; one submission).

Allele frequency attached by ClinVar (database versions not stated): gnomAD exomes below 0.00001; TOPMed 0.00002; ESP Exome Variant Server 0.00008; gnomAD 0.00001.
gnomAD v4.1: 2 of 1,613,902 alleles (0.00012%); highest among the groups gnomAD compares: Non-Finnish European, 0.00017%; no homozygotes.

Submission:

Labcorp Genetics (formerly Invitae), Labcorp
Classification: Uncertain significance. Last evaluated: 2025-03-17. Review status: criteria provided, single submitter. Criteria: Invitae Variant Classification Sherloc (09022015). Collection method: clinical testing. Allele origin: germline.
Comment: This sequence change replaces threonine, which is neutral and polar, with alanine, which is neutral and non-polar, at codon 5258 of the ADGRV1 protein (p.Thr5258Ala). This variant is not present in population databases (gnomAD no frequency). This variant has not been reported in the literature in individuals affected with ADGRV1-related conditions. ClinVar contains an entry for this variant (Variation ID: 2134247). Invitae Evidence Modeling of protein sequence and biophysical properties (such as structural, functional, and spatial information, amino acid conservation, physicochemical variation, residue mobility, and thermodynamic stability) indicates that this missense variant is not expected to disrupt ADGRV1 protein function with a negative predictive value of 95%. In summary, the available evidence is currently insufficient to determine the role of this variant in disease. Therefore, it has been classified as a Variant of Uncertain Significance.

NM_032119.4(ADGRV1):c.15772A>G (p.Thr5258Ala)

Gene: ADGRV1 (adhesion G protein-coupled receptor V1; plus strand). Cytogenetic location: 5q14.3.
Variant type: single nucleotide variant.
Coding change: c.15772A>G on transcript NM_032119.4 (MANE Select); coding-DNA position 15772, A replaced by G.
Protein change: p.Thr5258Ala; replaces threonine 5258 with alanine.
Molecular consequence: missense variant. On other transcripts: non-coding transcript variant (1).
Genome position (GRCh38, 1-based): chr5:90,811,032, A>G. VCF-style: chr5-90811032-A-G. GRCh37 (hg19) VCF-style: chr5-90106849-A-G.
Other names: short protein forms T5258A.
Identifiers: ClinVar variation 2134247 (VCV002134247.4), dbSNP rs375261317, ClinGen allele CA122822117.